The following is an entry in ClinVar:

NM_000127.3(EXT1):c.1503C>T (p.Leu501=)

Gene: EXT1 (exostosin glycosyltransferase 1; minus strand). Cytogenetic location: 8q24.11.
Variant type: single nucleotide variant.
Coding change: c.1503C>T on transcript NM_000127.3 (MANE Select); coding-DNA position 1503, C replaced by T.
Protein change: p.Leu501=; no amino-acid change (leucine 501 retained).
Molecular consequence: synonymous variant.
Genome position (GRCh38, 1-based): chr8:117,819,709, G>A on the plus strand (C>T on the coding strand, the complement: EXT1 is on the minus strand). VCF-style: chr8-117819709-G-A. GRCh37 (hg19) VCF-style: chr8-118831948-G-A.
Other names: c.1503C>T (NM_000127.2).
Identifiers: ClinVar variation 1089117 (VCV001089117.32), dbSNP rs146108006, ClinGen allele CA4854123.
Genomic context (GRCh38, chr8:117,819,709, plus strand): 5'-GGGCTTCTCTGTCAACTTCCCGCTCACCTGGGCACAGTACTGGGACTTGGCTGCAGCCAC[G>A]AGAAGCTTCAACACTGGCTGGGACTGAGAGACCAGGGGGGTCACCGCATGGATGACTGCA-3'
Protein context (NP_000118.2, residues 491-511): VSQSQPVLKL[Leu501=]VAAAKSQYCA

ClinVar aggregate classification (germline): Likely benign. Review status: criteria provided, multiple submitters, no conflicts (2 of 4 stars). 3 submissions from 3 submitters: Likely benign (3). Last evaluated 2025-08-31.

Conditions:
Inborn genetic diseases. Identifiers: MedGen C0950123, MeSH D030342.
Multiple congenital exostosis (EXT). Also called: Multiple exostoses; Multiple osteochondromas; Hereditary multiple osteochondromas; MULTIPLE CARTILAGINOUS EXOSTOSES; Hereditary multiple exostoses; Hereditary multiple exostosis. Identifiers: Orphanet 321, MedGen C0015306, MONDO:0005508, HP:0002762.

Allele frequency attached by ClinVar (database versions not stated): ESP Exome Variant Server 0.00008.
gnomAD v4.1: 47 of 1,612,848 alleles (0.0029%); highest among the groups gnomAD compares: Middle Eastern, 0.02%; no homozygotes.

Submissions (3):

Labcorp Genetics (formerly Invitae), Labcorp
Classification: Likely benign for Multiple congenital exostosis. Last evaluated: 2025-08-31. Review status: criteria provided, single submitter. Criteria: Invitae Variant Classification Sherloc (09022015). Collection method: clinical testing. Allele origin: germline.

Ambry Genetics
Classification: Likely benign for Inborn genetic diseases. Last evaluated: 2024-02-02. Review status: criteria provided, single submitter. Criteria: Ambry Variant Classification Scheme 2023. Collection method: clinical testing. Allele origin: germline.

CeGaT Center for Human Genetics Tuebingen
Classification: Likely benign. Last evaluated: 2023-11-01. Review status: criteria provided, single submitter. Criteria: CeGaT Center For Human Genetics Tuebingen Variant Classification Criteria Version 2. Collection method: clinical testing. Allele origin: germline. Affected: yes. Observed: 1 variant allele.
Comment: EXT1: BP4, BP7